The following is an entry in ClinVar:

ClinVar aggregate classification (germline): Uncertain significance. Review status: criteria provided, multiple submitters, no conflicts (2 of 4 stars). 2 submissions from 2 submitters: Uncertain significance (2). Last evaluated 2024-09-23.

Submissions (2):

Labcorp Genetics (formerly Invitae), Labcorp
Classification: Uncertain significance. Last evaluated: 2024-09-23. Review status: criteria provided, single submitter. Criteria: Invitae Variant Classification Sherloc (09022015). Collection method: clinical testing. Allele origin: germline.
Comment: This sequence change replaces lysine, which is basic and polar, with arginine, which is basic and polar, at codon 359 of the HTRA1 protein (p.Lys359Arg). This variant is present in population databases (rs776517365, gnomAD 0.0009%). This variant has not been reported in the literature in individuals affected with HTRA1-related conditions. Invitae Evidence Modeling of protein sequence and biophysical properties (such as structural, functional, and spatial information, amino acid conservation, physicochemical variation, residue mobility, and thermodynamic stability) indicates that this missense variant is not expected to disrupt HTRA1 protein function with a negative predictive value of 80%. In summary, the available evidence is currently insufficient to determine the role of this variant in disease. Therefore, it has been classified as a Variant of Uncertain Significance.

Blueprint Genetics
Classification: Uncertain significance. Last evaluated: 2019-09-29. Review status: criteria provided, single submitter. Criteria: ACMG Guidelines, 2015. Collection method: clinical testing. Allele origin: germline.

NM_002775.5(HTRA1):c.1076A>G (p.Lys359Arg)

Gene: HTRA1 (HtrA serine peptidase 1; plus strand). Cytogenetic location: 10q26.13.
Variant type: single nucleotide variant.
Coding change: c.1076A>G on transcript NM_002775.5 (MANE Select); coding-DNA position 1076, A replaced by G.
Protein change: p.Lys359Arg; replaces lysine 359 with arginine.
Molecular consequence: missense variant.
Genome position (GRCh38, 1-based): chr10:122,508,726, A>G. VCF-style: chr10-122508726-A-G. GRCh37 (hg19) VCF-style: chr10-124268242-A-G.
Other names: short protein forms K359R.
Identifiers: ClinVar variation 3701212 (VCV003701212.3).